The following is an entry in ClinVar:

NM_145290.4(ADGRA3):c.89GCG[9] (p.Gly33_Gly35dup)

Gene: ADGRA3 (adhesion G protein-coupled receptor A3; minus strand). Cytogenetic location: 4p15.2.
Variant type: Microsatellite.
Coding change: c.89GCG[9] on transcript NM_145290.4 (MANE Select); nine copies in a row of the 3-base unit GCG starting at c.89; the reference has six copies in a row; three copies, 9 bases duplicated.
Protein change: p.Gly33_Gly35dup.
Molecular consequence: inframe insertion.
Genome position (GRCh38, 1-based): chr4:22,515,679-22,515,687, CGCCGCCGC duplicated on the plus strand (GCGGCGGCG on the coding strand, the reverse complement: ADGRA3 is on the minus strand); duplicating any 9 consecutive bases within chr4:22,515,679-22,515,697 gives the same sequence; the position shown is the placement nearest the transcript's 3' end. VCF-style (leftmost placement, unchanged base first): chr4-22515678-G-GCGCCGCCGC. GRCh37 (hg19) VCF-style: chr4-22517301-G-GCGCCGCCGC.
Other names: c.98_106dupGCGGCGGCG (NM_145290.4).
Identifiers: ClinVar variation 1393540 (VCV001393540.8), dbSNP rs769005255, ClinGen allele CA550665056.
Genomic context (GRCh38, chr4:22,515,678, plus strand): 5'-GCCGCCCTGCCAGCCCCTCGGGGCCGCCCATCGTGCTTGCAGCCGGCGGGCAGCGCCGCG[G>GCGCCGCCGC]CGCCGCCGCCGCCGCCGCCTCCCAGCAGCGCGAGCAGCGCTAACAGCGAGAGCGGCAGCA-3'

ClinVar aggregate classification (germline): Uncertain significance. Review status: criteria provided, multiple submitters, no conflicts (2 of 4 stars). 3 submissions from 3 submitters: Uncertain significance (3). Last evaluated 2026-01-12.

Conditions:
Retinal dystrophy. Also called: Inherited retinal dystrophy. Identifiers: Orphanet 71862, MedGen C0854723, MeSH D058499, MONDO:0019118, HP:0000556.

Submissions (3):

Labcorp Genetics (formerly Invitae), Labcorp
Classification: Uncertain significance. Last evaluated: 2026-01-12. Review status: criteria provided, single submitter. Criteria: Invitae Variant Classification Sherloc (09022015). Collection method: clinical testing. Allele origin: germline.
Comment: This variant, c.98_106dup, results in the insertion of 3 amino acid(s) of the ADGRA3 protein (p.Gly33_Gly35dup), but otherwise preserves the integrity of the reading frame. This variant is present in population databases (no rsID available, gnomAD 0.1%). This variant has not been reported in the literature in individuals affected with ADGRA3-related conditions. Experimental studies and prediction algorithms are not available or were not evaluated, and the functional significance of this variant is currently unknown. In summary, the available evidence is currently insufficient to determine the role of this variant in disease. Therefore, it has been classified as a Variant of Uncertain Significance.

Dept Of Ophthalmology, Nagoya University
Classification: Uncertain significance for Retinal dystrophy. Last evaluated: 2023-10-01. Review status: criteria provided, single submitter. Criteria: Submitter's publication. Collection method: research. Allele origin: germline. Affected: yes.

Breakthrough Genomics
Classification: Uncertain significance. Review status: criteria provided, single submitter. Criteria: ACMG Guidelines, 2015. Collection method: not provided. Allele origin: germline. Inheritance: Unknown mechanism. Affected: yes.